The following is an entry in ClinVar:

ClinVar aggregate classification (germline): Uncertain significance. Review status: criteria provided, multiple submitters, no conflicts (2 of 4 stars). 3 submissions from 3 submitters: Uncertain significance (2). 1 of the submissions does not count toward it. Last evaluated 2024-09-12.

Conditions:
Optic atrophy. Identifiers: MedGen C0029124, MONDO:0003608, HP:0000648.

Allele frequency attached by ClinVar (database versions not stated): gnomAD 0.00008 and 0.00009; TOPMed 0.00009; gnomAD exomes 0.00018; ExAC 0.00019.
gnomAD v4.1: 95 of 1,007,172 alleles (0.0094%); highest among the groups gnomAD compares: South Asian, 0.029%; no homozygotes.

Submissions (3):

Blueprint Genetics
Classification: Uncertain significance. Last evaluated: 2024-09-12. Review status: criteria provided, single submitter. Criteria: ACMG Guidelines, 2015. Collection method: clinical testing. Allele origin: germline.

Labcorp Genetics (formerly Invitae), Labcorp
Classification: Uncertain significance. Last evaluated: 2022-11-01. Review status: criteria provided, single submitter. Criteria: Invitae Variant Classification Sherloc (09022015). Collection method: clinical testing. Allele origin: germline.
Comment: This sequence change replaces arginine, which is basic and polar, with cysteine, which is neutral and slightly polar, at codon 179 of the REEP6 protein (p.Arg179Cys). This variant is present in population databases (rs529651864, gnomAD 0.05%). This variant has not been reported in the literature in individuals affected with REEP6-related conditions. ClinVar contains an entry for this variant (Variation ID: 1021223). Experimental studies and prediction algorithms are not available or were not evaluated, and the functional significance of this variant is currently unknown. In summary, the available evidence is currently insufficient to determine the role of this variant in disease. Therefore, it has been classified as a Variant of Uncertain Significance.

Institute of Human Genetics, Univ. Regensburg, Univ. Regensburg
Classification: Uncertain significance for Optic atrophy. Last evaluated: 2022-01-01. Review status: no assertion criteria provided. Criteria: ACMG Guidelines, 2015. Collection method: clinical testing. Allele origin: germline. Affected: yes. Not counted in ClinVar's aggregate classification.

NM_001329556.3(REEP6):c.535C>T (p.Arg179Cys)

Gene: REEP6 (receptor accessory protein 6; plus strand). Cytogenetic location: 19p13.3.
Variant type: single nucleotide variant.
Coding change: c.535C>T on transcript NM_001329556.3 (MANE Plus Clinical); coding-DNA position 535, C replaced by T.
Protein change: p.Arg179Cys; replaces arginine 179 with cysteine.
Molecular consequence: missense variant. On other transcripts: intron variant (1).
Genome position (GRCh38, 1-based): chr19:1,496,608, C>T. VCF-style: chr19-1496608-C-T. GRCh37 (hg19) VCF-style: chr19-1496607-C-T.
Other names: c.517+155C>T (NM_138393.4); short protein forms R179C.
Identifiers: ClinVar variation 1021223 (VCV001021223.6), dbSNP rs529651864, ClinGen allele CA9047638.